The following is an entry in ClinVar:

ClinVar aggregate classification (germline): Uncertain significance (1 of 4 stars; one submission).

Conditions:
Ventriculomegaly-cystic kidney disease. Also called: Ventriculomegaly with cystic kidney disease. Identifiers: Orphanet 443988, MedGen C1857423, MONDO:0009063, OMIM 219730.

Submission:

Baylor Genetics
Classification: Uncertain significance for Ventriculomegaly-cystic kidney disease. Last evaluated: 2020-09-02. Review status: criteria provided, single submitter. Criteria: ACMG Guidelines, 2015. Collection method: clinical testing. Allele origin: unknown. Affected: yes.
Comment: This variant was determined to be of uncertain significance according to ACMG Guidelines, 2015 [PMID:25741868].

NM_173689.7(CRB2):c.2225G>A (p.Gly742Glu)

Gene: CRB2 (crumbs cell polarity complex component 2; plus strand). Cytogenetic location: 9q33.3.
Variant type: single nucleotide variant.
Coding change: c.2225G>A on transcript NM_173689.7 (MANE Select); coding-DNA position 2225, G replaced by A.
Protein change: p.Gly742Glu; replaces glycine 742 with glutamic acid.
Molecular consequence: missense variant. On other transcripts: non-coding transcript variant (1).
Genome position (GRCh38, 1-based): chr9:123,371,367, G>A. VCF-style: chr9-123371367-G-A. GRCh37 (hg19) VCF-style: chr9-126133646-G-A.
Other names: short protein forms G742E.
Identifiers: ClinVar variation 1027870 (VCV001027870.1), dbSNP rs2042013918, ClinGen allele CA374865627.
Genomic context (GRCh38, chr9:123,371,367, plus strand): 5'-ATGATGGGCTCCGTCACCTGGTGATGCTCAGCTTCGGGCCTGACCAGCTGCAGGACCTGG[G>A]GCAGCACGTGCACGTGGGTGGGAGGCTCCTTGCTGCCGACAGCCAGCCCTGGGGTGGGCC-3'
Protein context (NP_775960.4, residues 732-752): SFGPDQLQDL[Gly742Glu]QHVHVGGRLL